The following is an entry in ClinVar:

NM_014249.4(NR2E3):c.694G>A (p.Val232Ile)

Gene: NR2E3 (nuclear receptor subfamily 2 group E member 3; plus strand). Cytogenetic location: 15q23.
Variant type: single nucleotide variant.
Coding change: c.694G>A on transcript NM_014249.4 (MANE Select); coding-DNA position 694, G replaced by A.
Protein change: p.Val232Ile; replaces valine 232 with isoleucine.
Molecular consequence: missense variant.
Genome position (GRCh38, 1-based): chr15:71,812,458, G>A. VCF-style: chr15-71812458-G-A. GRCh37 (hg19) VCF-style: chr15-72104798-G-A.
Other names: c.694G>A, p.Val232Ile (NM_016346.4); short protein forms V232I.
Identifiers: ClinVar variation 260368 (VCV000260368.24), dbSNP rs1805023, ClinGen allele CA7640375.

ClinVar aggregate classification (germline): Benign/Likely benign. Review status: criteria provided, multiple submitters, no conflicts (2 of 4 stars). 11 submissions from 10 submitters: Benign (5); Likely benign (2). 4 of the submissions do not count toward it. Last evaluated 2026-09-01.

Conditions:
Enhanced S-cone syndrome (ESCS). Identifiers: Orphanet 53540, MedGen C1849394, MONDO:0100288, MONDO:0009989.
Retinitis pigmentosa 37 (RP37). Identifiers: Orphanet 791, MedGen C1970163, MONDO:0012625, OMIM 611131.
Goldmann-Favre syndrome. Identifiers: Orphanet 53540, MedGen C0339541, MONDO:0100289.

Allele frequency attached by ClinVar (database versions not stated): gnomAD exomes 0.00170; ExAC 0.00214; ESP Exome Variant Server 0.00623; gnomAD 0.00632 and 0.00690; 1000 Genomes Project 0.00679; 1000 Genomes Project 30x 0.00687; TOPMed 0.00728.
gnomAD v4.1: 1,919 of 1,613,730 alleles (0.12%); highest among the groups gnomAD compares: African/African-American, 2.3%; 19 homozygotes.

Submissions (11):

CeGaT Center for Human Genetics Tuebingen
Classification: Benign. Last evaluated: 2026-09-01. Review status: criteria provided, single submitter. Criteria: CeGaT Center For Human Genetics Tuebingen Variant Classification Criteria Version 2. Collection method: clinical testing. Allele origin: germline. Affected: yes. Observed: 1 variant allele.
Comment: NR2E3: BS1, BS2

Labcorp Genetics (formerly Invitae), Labcorp
Classification: Benign. Last evaluated: 2026-01-27. Review status: criteria provided, single submitter. Criteria: Invitae Variant Classification Sherloc (09022015). Collection method: clinical testing. Allele origin: germline.

Blueprint Genetics
Classification: Benign. Last evaluated: 2024-10-22. Review status: criteria provided, single submitter. Criteria: ACMG Guidelines, 2015. Collection method: clinical testing. Allele origin: germline.

Illumina Laboratory Services, Illumina
Classification: Benign for ENHANCED S-CONE SYNDROME 1. Last evaluated: 2017-04-28. Review status: criteria provided, single submitter. Criteria: ICSL Variant Classification Criteria 13 December 2019. Collection method: clinical testing. Allele origin: germline.
Comment: This variant was observed as part of a predisposition screen in an ostensibly healthy population. A literature search was performed for the gene, cDNA change, and amino acid change (where applicable). No publications were found based on this search. Allele frequency data from public databases was too high to be consistent with this variant causing disease. Therefore, this variant is classified as benign.

Illumina Laboratory Services, Illumina
Classification: Benign for Retinitis pigmentosa 37. Last evaluated: 2017-04-28. Review status: criteria provided, single submitter. Criteria: ICSL Variant Classification Criteria 13 December 2019. Collection method: clinical testing. Allele origin: germline.
Comment: This variant was observed as part of a predisposition screen in an ostensibly healthy population. A literature search was performed for the gene, cDNA change, and amino acid change (where applicable). Publications were found based on this search. The evidence from the literature, in combination with allele frequency data from public databases where available, was sufficient to rule this variant out of causing disease. Therefore, this variant is classified as benign.

Breakthrough Genomics
Classification: Likely benign. Review status: criteria provided, single submitter. Criteria: ACMG Guidelines, 2015. Collection method: not provided. Allele origin: germline. Inheritance: Autosomal recessive inheritance. Affected: yes.

PreventionGenetics, part of Exact Sciences
Classification: Likely benign. Review status: criteria provided, single submitter. Criteria: ACMG Guidelines, 2015. Collection method: clinical testing. Allele origin: germline.

Natera, Inc.
Classification: Benign for Goldmann-Favre syndrome. Last evaluated: 2020-09-16. Review status: no assertion criteria provided. Collection method: clinical testing. Allele origin: germline. Not counted in ClinVar's aggregate classification.

Counsyl
Classification: Likely benign for Retinitis pigmentosa 37; ENHANCED S-CONE SYNDROME 1. Last evaluated: 2017-06-13. Review status: no assertion criteria provided. Collection method: clinical testing. Allele origin: unknown. Not counted in ClinVar's aggregate classification.

Clinical Genetics DNA and cytogenetics Diagnostics Lab, Erasmus MC, Erasmus Medical Center
Classification: Benign. Review status: no assertion criteria provided. Collection method: clinical testing. Allele origin: germline. Affected: yes. Study: VKGL Data-share Consensus. Not counted in ClinVar's aggregate classification.

Clinical Genetics, Academic Medical Center
Classification: Benign. Review status: no assertion criteria provided. Collection method: clinical testing. Allele origin: germline. Affected: yes. Study: VKGL Data-share Consensus. Not counted in ClinVar's aggregate classification.

Literature cited by the submitters: PubMed 24265693 (cited by Illumina Laboratory Services, Illumina); PubMed 19898638 (cited by Counsyl).